The following is an entry in ClinVar:

NM_172107.3(KCNQ2):c.1302-18_1302-17insTGCCTGTC

Gene: KCNQ2 (potassium voltage-gated channel subfamily Q member 2; minus strand). Cytogenetic location: 20q13.33.
Variant type: Insertion.
Coding change: c.1302-18_1302-17insTGCCTGTC on transcript NM_172107.3; 18 bases into the intron before coding-DNA position 1302 through 17 bases into the intron before coding-DNA position 1302, TGCCTGTC inserted.
Molecular consequence: intron variant (on NM_172107.4).
Genome position: GRCh38 VCF-style: chr20-63415143-C-CGACAGGCA. GRCh37 (hg19) VCF-style: chr20-62046496-C-CGACAGGCA.
Other names: c.1218-18_1218-17insCTGTCTGC (NM_004518.6); c.1248-54_1248-53insCTGTCTGC (NM_172108.5); c.1248-18_1248-17insCTGTCTGC (NM_172106.3); c.1302-18_1302-17insCTGTCTGC (NM_172107.4).
Identifiers: ClinVar variation 205840 (VCV000205840.4), dbSNP rs1555854856, ClinGen allele CA315302.

ClinVar aggregate classification (germline): Benign. Review status: criteria provided, single submitter (1 of 4 stars). 2 submissions from 1 submitter: Benign (1). 1 of the submissions does not count toward it. Last evaluated 2015-03-03.

Submissions (2):

GeneDx
Classification: Benign. Last evaluated: 2015-03-03. Review status: criteria provided, single submitter. Criteria: GeneDx Variant Classification Process June 2021. Collection method: clinical testing. Allele origin: germline. Affected: yes.

GeneDx
Classification: Benign. Last evaluated: 2013-10-02. Review status: flagged submission. Criteria: GeneDx Variant Classification (06012015). Collection method: clinical testing. Allele origin: germline. Affected: yes. Not counted in ClinVar's aggregate classification.
Comment: The variant is found in EPILEPSY,INFANT-EPI panel(s).
ClinVar note: Reason: This record appears to be redundant with a more recent record from the same submitter.
ClinVar note: Notes: SCV000241426 appears to be redundant with SCV001882439.